The following is an entry in ClinVar:

NM_000518.5(HBB):c.93-1G>A

Genes: HBB (hemoglobin subunit beta; minus strand), LOC106099062 (HBB recombination region; plus strand), LOC107133510 (origin of replication at HBB; plus strand). Cytogenetic location: 11p15.4.
Variant type: single nucleotide variant.
Coding change: c.93-1G>A on transcript NM_000518.5 (MANE Select); the canonical splice acceptor site of the intron before coding-DNA position 93, G replaced by A.
Molecular consequence: splice acceptor variant.
Genome position (GRCh38, 1-based): chr11:5,226,800, C>T on the plus strand (G>A on the coding strand, the complement: HBB is on the minus strand). VCF-style: chr11-5226800-C-T. GRCh37 (hg19) VCF-style: chr11-5248030-C-T.
Other names: IVS I-130 (G>A); IVS1, G-A, -1.
Identifiers: ClinVar variation 15446 (VCV000015446.18), dbSNP rs33943001, ClinGen allele CA125309.

ClinVar aggregate classification (germline): Pathogenic. Review status: criteria provided, multiple submitters, no conflicts (2 of 4 stars). 7 submissions from 7 submitters: Pathogenic (5). 2 of the submissions do not count toward it. Last evaluated 2025-11-26.

Conditions:
Hb SS disease (SCD). Also called: Hemoglobin SS; Sickle cell anemia; Sickle cell disease; HbS disease; Hemoglobin S Disease; Sickling disorder due to hemoglobin S. Identifiers: Orphanet 232, Orphanet 275752, MedGen C0002895, MONDO:0011382, OMIM 603903.
Heinz body anemia. Also called: Heinz body hemolytic anemia. Identifiers: Orphanet 178330, MedGen C0700299, MONDO:0007705, OMIM 140700, HP:0005511.
Dominant beta-thalassemia. Also called: Beta-thalassemia, dominant inclusion body type. Identifiers: Orphanet 231226, Orphanet 848, MedGen C1858990, MONDO:0011381, OMIM 603902.
Beta-thalassemia HBB/LCRB. Identifiers: MedGen CN322236, MONDO:0013517, OMIM 613985.
Erythrocytosis, familial, 6. Also called: POLYCYTHEMIA, BETA-GLOBIN TYPE; ERYTHROCYTOSIS, BETA-GLOBIN TYPE. Identifiers: MedGen C4693822, MONDO:0054801, OMIM 617980.
METHEMOGLOBINEMIA, BETA TYPE. Also called: Methemoglobinemia, beta-globin type. Identifiers: MedGen C1840779, OMIM 617971.
Malaria, susceptibility to. Identifiers: Orphanet 673, MedGen C1970028, MONDO:0021024, OMIM 611162.
Hereditary persistence of fetal hemoglobin. Identifiers: MedGen C0019025, MONDO:0020989, OMIM 141749.
beta Thalassemia (BTHAL). Also called: Cooley's anemia; Erythroblastic anemia; Mediterranean anemia. Identifiers: Orphanet 848, MedGen C0005283, MONDO:0019402. Disease mechanism: loss of function.
Beta zero thalassemia. Identifiers: MedGen C0271980.

Submissions (7):

Natera, Inc.
Classification: Pathogenic for Beta thalassemia. Last evaluated: 2025-11-26. Review status: criteria provided, single submitter. Criteria: Natera Variant Classification Schema (03/2026). Collection method: clinical testing. Allele origin: germline.
Comment: The c.93-1G>A variant in HBB is a canonical splice acceptor site variant predicted to affect pre-mRNA splicing, which may result in an abnormal transcript and altered protein product. This variant is expected to result in nonsense mediated decay, truncation, or a dysfunctional protein product. This variant is rare in the general population with a frequency below the threshold expected for the associated phenotype(s). This variant has been observed in one or more individuals affected with the associated recessive disease, as either homozygous or compound heterozygous with a second variant (PMID: 25408857). Another variant at this same site results in an alteration predicted to cause a similar molecular effect has been observed in individual(s) with the associated phenotype. Given the available evidence, this variant is classified as Pathogenic.

Fulgent Genetics
Classification: Pathogenic for Heinz body anemia; Hereditary persistence of fetal hemoglobin; Dominant beta-thalassemia; Hb SS disease; Malaria, susceptibility to; Beta-thalassemia HBB/LCRB; METHEMOGLOBINEMIA, BETA TYPE; Erythrocytosis, familial, 6. Last evaluated: 2024-05-15. Review status: criteria provided, single submitter. Criteria: ACMG Guidelines, 2015. Collection method: clinical testing. Allele origin: germline.

Women's Health and Genetics/Laboratory Corporation of America, LabCorp
Classification: Pathogenic for beta Thalassemia. Last evaluated: 2023-04-27. Review status: criteria provided, single submitter. Criteria: LabCorp Variant Classification Summary - May 2015. Collection method: clinical testing. Allele origin: germline.
Comment: Variant summary: HBB c.93-1G>A is located in a canonical splice-site and is predicted to affect mRNA splicing resulting in a significantly altered protein due to either exon skipping, shortening, or inclusion of intronic material. Several computational tools predict a significant impact on normal splicing: One predict the variant abolishes a 3' acceptor site. Three predict the variant weakens a 3' acceptor site. The variant was absent in 251326 control chromosomes. c.93-1G>A has been reported in the literature in multiple individuals affected with Beta Thalassemia (Tadmouri_2000, Deidda_1990, Edison_2008, Bilgen_2011). The following publications have been ascertained in the context of this evaluation (PMID: 2283297, 18294253, 21333566, 10706767). Four clinical diagnostic laboratories have submitted clinical-significance assessments for this variant to ClinVar after 2014 without evidence for independent evaluation. All laboratories classified the variant as pathogenic/likely pathogenic. Based on the evidence outlined above, the variant was classified as pathogenic.

Quest Diagnostics Nichols Institute San Juan Capistrano
Classification: Pathogenic. Last evaluated: 2023-01-31. Review status: criteria provided, single submitter. Criteria: Quest Diagnostics criteria. Collection method: clinical testing. Allele origin: unknown.
Comment: This variant disrupts a canonical splice-acceptor site and interferes with normal HBB mRNA splicing. This variant has not been reported in large, multi-ethnic general populations. In the published literature, the variant has been reported in individuals with beta thalassemia major who were compound heterozygous with another pathogenic HBB variant (PMID: 2283297 (1990) and 10706767 (2000)). Based on the available information, this variant is classified as pathogenic.

Labcorp Genetics (formerly Invitae), Labcorp
Classification: Pathogenic. Last evaluated: 2021-04-06. Review status: criteria provided, single submitter. Criteria: Invitae Variant Classification Sherloc (09022015). Collection method: clinical testing. Allele origin: germline.
Comment: This sequence change affects an acceptor splice site in intron 1 of the HBB gene. It is expected to disrupt RNA splicing. Variants that disrupt the donor or acceptor splice site typically lead to a loss of protein function (PMID: 16199547), and loss-of-function variants in HBB are known to be pathogenic (PMID: 23637309). For these reasons, this variant has been classified as Pathogenic. Algorithms developed to predict the effect of sequence changes on RNA splicing suggest that this variant may disrupt the consensus splice site, but this prediction has not been confirmed by published transcriptional studies. This variant has been observed in individual(s) with autosomal recessive beta-thalassemia (PMID: 2283297, 10706767, 15008262, 18294253). This variant is also known as IVS-I-130 (G-A). ClinVar contains an entry for this variant (Variation ID: 15446). This variant is not present in population databases (ExAC no frequency).

The ITHANET community portal, The Cyprus Institute of Neurology and Genetics
Classification: Pathogenic for beta Thalassemia. Last evaluated: 2019-11-25. Review status: no assertion criteria provided. Collection method: curation. Allele origin: germline. Not counted in ClinVar's aggregate classification.

OMIM
Classification: Pathogenic for BETA-ZERO-THALASSEMIA. Last evaluated: 2000-05-01. Review status: no assertion criteria provided. Collection method: literature only. Allele origin: germline. Not counted in ClinVar's aggregate classification.

Literature cited by the submitters: PubMed 25408857 (cited by Natera, Inc.); PubMed 2283297 (cited by 4 submitters); PubMed 18294253 (cited by 3 submitters); PubMed 21333566 (cited by Women's Health and Genetics/Laboratory Corporation of America, LabCorp); PubMed 10706767 (cited by 3 submitters); PubMed 33092414 (cited by Quest Diagnostics Nichols Institute San Juan Capistrano); PubMed 25525159 (cited by Quest Diagnostics Nichols Institute San Juan Capistrano); PubMed 2200760 (cited by Quest Diagnostics Nichols Institute San Juan Capistrano and The ITHANET community portal, The Cyprus Institute of Neurology and Genetics); PubMed 15008262 (cited by Quest Diagnostics Nichols Institute San Juan Capistrano and Labcorp Genetics (formerly Invitae), Labcorp); PubMed 16199547 (cited by Labcorp Genetics (formerly Invitae), Labcorp); PubMed 23637309 (cited by Labcorp Genetics (formerly Invitae), Labcorp); PubMed 10870887 (cited by OMIM).